The following is an entry in ClinVar:

NM_020937.4(FANCM):c.2954A>G (p.Glu985Gly)

Gene: FANCM (FA complementation group M; plus strand). Cytogenetic location: 14q21.2.
Variant type: single nucleotide variant.
Coding change: c.2954A>G on transcript NM_020937.4 (MANE Select); coding-DNA position 2954, A replaced by G.
Protein change: p.Glu985Gly; replaces glutamic acid 985 with glycine.
Molecular consequence: missense variant.
Genome position (GRCh38, 1-based): chr14:45,175,708, A>G. VCF-style: chr14-45175708-A-G. GRCh37 (hg19) VCF-style: chr14-45644911-A-G.
Other names: c.2876A>G, p.Glu959Gly (NM_001308133.2); short protein forms E959G, E985G.
Identifiers: ClinVar variation 4022671 (VCV004022671.1).

ClinVar aggregate classification (germline): Uncertain significance (1 of 4 stars; one submission).

Conditions:
Inborn genetic diseases. Identifiers: MedGen C0950123, MeSH D030342.

Submission:

Ambry Genetics
Classification: Uncertain significance for Inborn genetic diseases. Last evaluated: 2025-04-10. Review status: criteria provided, single submitter. Criteria: Ambry Variant Classification Scheme 2023. Collection method: clinical testing. Allele origin: germline.
Comment: The p.E985G variant (also known as c.2954A>G), located in coding exon 14 of the FANCM gene, results from an A to G substitution at nucleotide position 2954. The glutamic acid at codon 985 is replaced by glycine, an amino acid with similar properties. This amino acid position is conserved. In addition, this alteration is predicted to be tolerated by in silico analysis. Based on the available evidence, the clinical significance of this variant remains unclear.